The following is an entry in ClinVar:

ClinVar aggregate classification (germline): Uncertain significance. Review status: criteria provided, multiple submitters, no conflicts (2 of 4 stars). 2 submissions from 2 submitters: Uncertain significance (2). Last evaluated 2025-06-20.

Conditions:
Amyotrophic lateral sclerosis type 4 (ALS4). Also called: AMYOTROPHIC LATERAL SCLEROSIS 4, JUVENILE; NEURONOPATHY, DISTAL HEREDITARY MOTOR, WITH PYRAMIDAL FEATURES. Identifiers: Orphanet 357043, MedGen C1865409, MONDO:0011223, OMIM 602433.
Spinocerebellar ataxia, autosomal recessive, with axonal neuropathy 2 (SCAN2). Also called: ATAXIA-OCULOMOTOR APRAXIA 2; Ataxia with Oculomotor Apraxia Type 2; Ataxia-ocular apraxia-2; Ataxia with Oculomotor Apraxia. Identifiers: Orphanet 64753, MedGen C1853761, MONDO:0018996, OMIM 606002.

Submissions (2):

GeneDx
Classification: Uncertain significance. Last evaluated: 2025-06-20. Review status: criteria provided, single submitter. Criteria: GeneDx Variant Classification Process June 2021. Collection method: clinical testing. Allele origin: germline. Affected: yes.
Comment: Not observed at significant frequency in large population cohorts (gnomAD); In silico analysis supports that this missense variant has a deleterious effect on protein structure/function; Has not been previously published as pathogenic or benign to our knowledge

Labcorp Genetics (formerly Invitae), Labcorp
Classification: Uncertain significance for Amyotrophic lateral sclerosis type 4; Spinocerebellar ataxia, autosomal recessive, with axonal neuropathy 2. Last evaluated: 2025-01-08. Review status: criteria provided, single submitter. Criteria: Invitae Variant Classification Sherloc (09022015). Collection method: clinical testing. Allele origin: germline.
Comment: This sequence change replaces cysteine, which is neutral and slightly polar, with serine, which is neutral and polar, at codon 1565 of the SETX protein (p.Cys1565Ser). This variant is not present in population databases (gnomAD no frequency). This variant has not been reported in the literature in individuals affected with SETX-related conditions. Invitae Evidence Modeling of protein sequence and biophysical properties (such as structural, functional, and spatial information, amino acid conservation, physicochemical variation, residue mobility, and thermodynamic stability) has been performed for this missense variant. However, the output from this modeling did not meet the statistical confidence thresholds required to predict the impact of this variant on SETX protein function. In summary, the available evidence is currently insufficient to determine the role of this variant in disease. Therefore, it has been classified as a Variant of Uncertain Significance.

NM_015046.7(SETX):c.4694G>C (p.Cys1565Ser)

Gene: SETX (senataxin; minus strand). Cytogenetic location: 9q34.13.
Variant type: single nucleotide variant.
Coding change: c.4694G>C on transcript NM_015046.7 (MANE Select); coding-DNA position 4694, G replaced by C.
Protein change: p.Cys1565Ser; replaces cysteine 1565 with serine.
Molecular consequence: missense variant.
Genome position (GRCh38, 1-based): chr9:132,326,904, C>G on the plus strand (G>C on the coding strand, the complement: SETX is on the minus strand). VCF-style: chr9-132326904-C-G. GRCh37 (hg19) VCF-style: chr9-135202291-C-G.
Other names: c.4694G>C, p.Cys1565Ser (NM_001351527.2, NM_001351528.2); short protein forms C1565S.
Identifiers: ClinVar variation 3752604 (VCV003752604.3).